The following is an entry in ClinVar:

NM_001170535.3(ATAD3A):c.278T>C (p.Leu93Pro)

Gene: ATAD3A (ATPase family AAA domain containing 3A; plus strand). Cytogenetic location: 1p36.33.
Variant type: single nucleotide variant.
Coding change: c.278T>C on transcript NM_001170535.3 (MANE Select); coding-DNA position 278, T replaced by C.
Protein change: p.Leu93Pro; replaces leucine 93 with proline.
Molecular consequence: missense variant.
Genome position (GRCh38, 1-based): chr1:1,516,084, T>C. VCF-style: chr1-1516084-T-C. GRCh37 (hg19) VCF-style: chr1-1451464-T-C.
Other names: c.41T>C, p.Leu14Pro (NM_001170536.3); c.278T>C, p.Leu93Pro (NM_018188.5); short protein forms L14P, L93P.
Identifiers: ClinVar variation 3572945 (VCV003572945.2).
Genomic context (GRCh38, chr1:1,516,084, plus strand): 5'-ACGCCCTGAATCTGGCACAGATGCAGGAGCAGACGCTGCAGTTGGAGCAACAGTCCAAGC[T>C]CAAAGTGAGTGGGGCCGGTGTGGGTGGGGAGGCCGGGGCGCACATGGGGTTCGGGCATGG-3'
Protein context (NP_001164006.1, residues 83-103): QTLQLEQQSK[Leu93Pro]KEYEAAVEQL

ClinVar aggregate classification (germline): Conflicting classifications of pathogenicity. Review status: criteria provided, conflicting classifications (1 of 4 stars). 2 submissions from 2 submitters: Likely pathogenic (1); Uncertain significance (1). Last evaluated 2025-01-12.

Conditions:
ATAD3A deficiency.

gnomAD v4.1: 1 of 1,613,340 alleles (0.000062%); highest among the groups gnomAD compares: Non-Finnish European, 0.000085%; no homozygotes.

Submissions (2):

Regional Center For Medical Genetics Timis, Louis Turcanu Emergency Hospital for Children Timisoara
Classification: Likely pathogenic for ATAD3A deficiency. Last evaluated: 2025-01-12. Review status: criteria provided, single submitter. Criteria: ACMG Guidelines, 2015. Collection method: clinical testing. Allele origin: germline. Affected: yes. Observed: 2 variant alleles.
Comment: This variant has been previously reported in healthy population databases with low frequency (gnomAD v4.1.0, f = 6.198e-7). In silico predictions for this missense variant are inconclusive. To the best of our knowledge, the variant has not been documented in literature before in association with ATAD3A-related conditions. This variant was detected alongside another likely pathogenic variant (c.229C>G, p.(Leu77Val)), located in trans with the current variant in two siblings tested with phenotype in our laboratory. The phenotype of the siblings is in line with the clinical picture described in ATAD3A patients. Therefore, this variant was classified as likely pathogenic, according to ACMG and ClinGen criteria (PM2_Supporting, PM3_Strong, PP4).

Blueprint Genetics
Classification: Uncertain significance. Last evaluated: 2024-03-01. Review status: criteria provided, single submitter. Criteria: ACMG Guidelines, 2015. Collection method: clinical testing. Allele origin: germline.